The following is an entry in ClinVar:

NM_007294.4(BRCA1):c.2887del (p.Thr963fs)

Gene: BRCA1 (BRCA1 DNA repair associated; minus strand). Cytogenetic location: 17q21.31.
Variant type: Deletion.
Coding change: c.2887del on transcript NM_007294.4 (MANE Select); coding-DNA position 2887, one base deleted (A; older notation c.2887delA).
Protein change: p.Thr963fs; shifts the reading frame from threonine 963.
Molecular consequence: frameshift variant. On other transcripts: intron variant (137).
Genome position (GRCh38, 1-based): chr17:43,092,644, T deleted on the plus strand (A on the coding strand, the reverse complement: BRCA1 is on the minus strand); the first of 3 consecutive T bases (chr17:43,092,644-43,092,646); deleting any one gives the same sequence. VCF-style (leftmost placement, unchanged base first): chr17-43092643-GT-G. GRCh37 (hg19) VCF-style: chr17-41244660-GT-G.
Other names: 3006delA; c.2887delA (NM_007294.3); c.2746del, p.Thr916fs (NM_001407752.1, NM_001407850.1, NM_001407851.1 and 29 more transcripts); c.2743del, p.Thr915fs (NM_001407838.1, NM_001407839.1, NM_001407841.1 and 20 more transcripts); c.2674del, p.Thr892fs (NM_001407853.1, NM_001407894.1, NM_001407895.1 and 9 more transcripts); c.2887del, p.Thr963fs (NM_001407854.1, NM_001407858.1, NM_001407859.1 and 30 more transcripts); c.2884del, p.Thr962fs (NM_001407860.1, NM_001407861.1, NM_001407587.1 and 22 more transcripts); c.2686del, p.Thr896fs (NM_001407862.1); and 43 more; short protein forms T916fs, T963fs, T835fs, T852fs, T896fs, T936fs, T851fs, T893fs.
Identifiers: ClinVar variation 54710 (VCV000054710.9), dbSNP rs80357559, ClinGen allele CA001882.
Genomic context (GRCh38, chr17:43,092,643, plus strand): 5'-AGTGGTGGTATACGATATGGGTTTTGTAAAAGTCCATGTTTATTTGGAGTAATGAGTCCA[GT>G]TTCGTTGCCTCTGAACTGAGATGATAGACAAAACCTAGAGCCTCCTTTGATACTACATTT-3'

ClinVar aggregate classification (germline): Pathogenic. Review status: reviewed by expert panel (3 of 4 stars). 4 submissions from 4 submitters: Pathogenic (1). 3 of the submissions do not count toward it. Last evaluated 2016-04-22.

Conditions:
Hereditary cancer-predisposing syndrome. Also called: Tumor predisposition; Neoplastic Syndromes, Hereditary; Hereditary Cancer Syndrome; Hereditary neoplastic syndrome. Identifiers: Orphanet 140162, MedGen C0027672, MeSH D009386, MONDO:0015356.
Breast-ovarian cancer, familial, susceptibility to, 1 (BROVCA1). Also called: OVARIAN CANCER, SUSCEPTIBILITY TO; BRCA1 Hereditary Breast and Ovarian Cancer. Identifiers: Orphanet 145, MedGen C2676676, MONDO:0011450, OMIM 604370. Disease mechanism: loss of function.

Submissions (4):

Evidence-based Network for the Interpretation of Germline Mutant Alleles (ENIGMA)
Classification: Pathogenic for Breast-ovarian cancer, familial, susceptibility to, 1. Last evaluated: 2016-04-22. Review status: reviewed by expert panel. Criteria: ENIGMA BRCA1/2 Classification Criteria (2015). Collection method: curation. Allele origin: germline.
Comment: Variant allele predicted to encode a truncated non-functional protein.

Ambry Genetics
Classification: Pathogenic for Hereditary cancer-predisposing syndrome. Last evaluated: 2022-02-28. Review status: criteria provided, single submitter. Criteria: Ambry Variant Classification Scheme 2023. Collection method: clinical testing. Allele origin: germline. Not counted in ClinVar's aggregate classification.
Comment: The c.2887delA pathogenic mutation, located in coding exon 9 of the BRCA1 gene, results from a deletion of one nucleotide at nucleotide position 2887, causing a translational frameshift with a predicted alternate stop codon (p.T963Lfs*37). This variant was reported in 1/60,466 breast cancer cases and in 0/53,461 controls (Dorling et al. N Engl J Med. 2021 02;384:428-439). This alteration is expected to result in loss of function by premature protein truncation or nonsense-mediated mRNA decay. As such, this alteration is interpreted as a disease-causing mutation.

Consortium of Investigators of Modifiers of BRCA1/2 (CIMBA), c/o University of Cambridge
Classification: Pathogenic for Breast-ovarian cancer, familial, susceptibility to, 1. Last evaluated: 2015-10-02. Review status: criteria provided, single submitter. Criteria: CIMBA Mutation Classification guidelines May 2016. Collection method: clinical testing. Allele origin: germline. Not counted in ClinVar's aggregate classification.

Breast Cancer Information Core (BIC) (BRCA1)
Classification: Pathogenic for Breast-ovarian cancer, familial 1. Last evaluated: 1999-12-30. Review status: no assertion criteria provided. Collection method: clinical testing. Allele origin: germline. Affected: yes. Observed: 1 variant allele. Not counted in ClinVar's aggregate classification.

Literature cited by the submitters: PubMed 33471991 (cited by Ambry Genetics).